The following is an entry in ClinVar:

ClinVar aggregate classification (germline): Uncertain significance. Review status: criteria provided, multiple submitters, no conflicts (2 of 4 stars). 2 submissions from 2 submitters: Uncertain significance (2). Last evaluated 2024-06-20.

Submissions (2):

Women's Health and Genetics/Laboratory Corporation of America, LabCorp
Classification: Uncertain significance. Last evaluated: 2024-06-20. Review status: criteria provided, single submitter. Criteria: LabCorp Variant Classification Summary - May 2015. Collection method: clinical testing. Allele origin: germline.
Comment: Variant summary: DNA2 c.1252_1257delGTCCCA (p.Val418_Pro419del) results in an in-frame deletion that is predicted to remove 1 amino acid from the encoded protein. The variant was absent in 196468 control chromosomes. The available data on variant occurrences in the general population are insufficient to allow any conclusion about variant significance. To our knowledge, no occurrence of c.1252_1257delGTCCCA in individuals affected with Progressive External Ophthalmoplegia With Mitochondrial DNA Deletions, Autosomal Dominant 6 and no experimental evidence demonstrating its impact on protein function have been reported. ClinVar contains an entry for this variant (Variation ID: 1466482). Based on the evidence outlined above, the variant was classified as uncertain significance.

Labcorp Genetics (formerly Invitae), Labcorp
Classification: Uncertain significance. Last evaluated: 2022-03-03. Review status: criteria provided, single submitter. Criteria: Invitae Variant Classification Sherloc (09022015). Collection method: clinical testing. Allele origin: germline.
Comment: In summary, the available evidence is currently insufficient to determine the role of this variant in disease. Therefore, it has been classified as a Variant of Uncertain Significance. Experimental studies and prediction algorithms are not available or were not evaluated, and the functional significance of this variant is currently unknown. This variant has not been reported in the literature in individuals affected with DNA2-related conditions. This variant is not present in population databases (gnomAD no frequency). This variant, c.1252_1257del, results in the deletion of 2 amino acid(s) of the DNA2 protein (p.Val418_Pro419del), but otherwise preserves the integrity of the reading frame.

NM_001080449.3(DNA2):c.1252_1257del (p.Val418_Pro419del)

Gene: DNA2 (DNA replication helicase/nuclease 2; minus strand). Cytogenetic location: 10q21.3.
Variant type: Deletion.
Coding change: c.1252_1257del on transcript NM_001080449.3 (MANE Select); coding-DNA positions 1252 to 1257, 6 bases deleted (GTCCCA; older notation c.1252_1257delGTCCCA).
Protein change: p.Val418_Pro419del.
Molecular consequence: inframe deletion. On other transcripts: non-coding transcript variant (1).
Genome position (GRCh38, 1-based): chr10:68,443,075-68,443,080, TGGGAC deleted on the plus strand (GTCCCA on the coding strand, the reverse complement: DNA2 is on the minus strand); deleting any 6 consecutive bases within chr10:68,443,075-68,443,082 gives the same sequence; the c. name uses the placement nearest the transcript's 3' end. VCF-style (leftmost placement, unchanged base first): chr10-68443074-TTGGGAC-T. GRCh37 (hg19) VCF-style: chr10-70202831-TTGGGAC-T.
Other names: c.1252_1257delGTCCCA (NM_001080449.3).
Identifiers: ClinVar variation 1466482 (VCV001466482.9), dbSNP rs2133398459, ClinGen allele CA2573145260.